The following is an entry in ClinVar:

NM_001356.5(DDX3X):c.45+1G>C

Gene: DDX3X (DEAD-box helicase 3 X-linked; plus strand). Cytogenetic location: Xp11.4.
Variant type: single nucleotide variant.
Coding change: c.45+1G>C on transcript NM_001356.5 (MANE Select); the canonical splice donor site of the intron after coding-DNA position 45, G replaced by C.
Molecular consequence: splice donor variant.
Genome position (GRCh38, 1-based): chrX:41,334,298, G>C. VCF-style: chrX-41334298-G-C. GRCh37 (hg19) VCF-style: chrX-41193551-G-C.
Other names: c.45+1G>C (NM_001193416.3, NM_001193417.3); c.-1859+1G>C (NM_001363819.1).
Identifiers: ClinVar variation 3236094 (VCV003236094.1), dbSNP rs2519481237, ClinGen allele CA412761619.

ClinVar aggregate classification (germline): Likely pathogenic (1 of 4 stars; one submission).

Conditions:
Intellectual disability, X-linked 102 (MRXSSB). Also called: Intellectual developmental disorder, X-linked syndromic, Snijders Blok type. Identifiers: Orphanet 457260, MedGen C5393299, MONDO:0010497, OMIM 300958.

Submission:

MVZ Medizinische Genetik Mainz
Classification: Likely pathogenic for Intellectual disability, X-linked 102. Last evaluated: 2023-11-23. Review status: criteria provided, single submitter. Criteria: UK Practice Guidelines For Variant Classification V4 01 2020. Collection method: clinical testing. Allele origin: germline. Inheritance: X-linked dominant inheritance. Affected: yes. Observed: 1 variant allele.
Comment: ACMG Criteria: PVS1,PS1_SUP,PM2_SUP